The following is an entry in ClinVar:

NM_000748.3(CHRNB2):c.1505A>G (p.Lys502Arg)

Gene: CHRNB2 (cholinergic receptor nicotinic beta 2 subunit; plus strand). Cytogenetic location: 1q21.3.
Variant type: single nucleotide variant.
Coding change: c.1505A>G on transcript NM_000748.3 (MANE Select); coding-DNA position 1505, A replaced by G.
Protein change: p.Lys502Arg; replaces lysine 502 with arginine.
Molecular consequence: missense variant.
Genome position (GRCh38, 1-based): chr1:154,575,928, A>G. VCF-style: chr1-154575928-A-G. GRCh37 (hg19) VCF-style: chr1-154548404-A-G.
Other names: c.1505A>G (NM_000748.2); short protein forms K502R.
Identifiers: ClinVar variation 4799943 (VCV004799943.2).

ClinVar aggregate classification (germline): Uncertain significance. Review status: criteria provided, multiple submitters, no conflicts (2 of 4 stars). 2 submissions from 2 submitters: Uncertain significance (2). Last evaluated 2026-03-30.

Conditions:
Familial sleep-related hypermotor epilepsy. Also called: Autosomal Dominant Sleep-Related Hypermotor (Hyperkinetic) Epilepsy. Identifiers: Orphanet 98784, MedGen C3696898, MONDO:0000030.

Submissions (2):

GeneDx
Classification: Uncertain significance. Last evaluated: 2026-03-30. Review status: criteria provided, single submitter. Criteria: GeneDx Variant Classification Process June 2021. Collection method: clinical testing. Allele origin: germline.
Comment: Not observed at significant frequency in large population cohorts (gnomAD); In silico analysis suggests that this missense variant does not alter protein structure/function; Has not been previously published as pathogenic or benign to our knowledge; In silico analysis suggests this variant may impact gene splicing. In the absence of RNA/functional studies, the actual effect of this sequence change is unknown.

Labcorp Genetics (formerly Invitae), Labcorp
Classification: Uncertain significance. Last evaluated: 2025-08-08. Review status: criteria provided, single submitter. Criteria: Invitae Variant Classification Sherloc (09022015). Collection method: clinical testing. Allele origin: germline.
Comment: This sequence change replaces lysine, which is basic and polar, with arginine, which is basic and polar, at codon 502 of the CHRNB2 protein (p.Lys502Arg). This variant is not present in population databases (gnomAD no frequency). This variant has not been reported in the literature in individuals affected with CHRNB2-related conditions. Invitae Evidence Modeling of protein sequence and biophysical properties (such as structural, functional, and spatial information, amino acid conservation, physicochemical variation, residue mobility, and thermodynamic stability) indicates that this missense variant is not expected to disrupt CHRNB2 protein function with a negative predictive value of 95%. In summary, the available evidence is currently insufficient to determine the role of this variant in disease. Therefore, it has been classified as a Variant of Uncertain Significance.